The following is an entry in ClinVar:

ClinVar aggregate classification (germline): Likely pathogenic (1 of 4 stars; one submission).

Conditions:
Intellectual disability, autosomal dominant 14 (CSS2). Also called: COFFIN-SIRIS SYNDROME 2. Identifiers: Orphanet 1465, MedGen C3553247, MONDO:0013819, OMIM 614607.

Submission:

3billion
Classification: Likely pathogenic for Intellectual disability, autosomal dominant 14. Review status: criteria provided, single submitter. Criteria: ACMG Guidelines, 2015. Collection method: clinical testing. Allele origin: unknown. Affected: yes. Observed: 1 heterozygote.
Comment: The variant is not observed in the gnomAD v2.1.1 dataset. The variant is predicted to result in a loss or disruption of normal protein function through protein truncation. The predicted truncated protein may be shortened by more than 10%. Therefore, this variant is classified as Likely pathogenic according to the recommendation of ACMG/AMP guideline.

NM_006015.6(ARID1A):c.5903_5904del (p.Cys1968fs)

Gene: ARID1A (AT-rich interaction domain 1A; plus strand). Cytogenetic location: 1p36.11.
Variant type: Microsatellite.
Coding change: c.5903_5904del on transcript NM_006015.6 (MANE Select); coding-DNA positions 5903 to 5904, 2 bases deleted (GT; older notation c.5903_5904delGT).
Protein change: p.Cys1968fs; shifts the reading frame from cysteine 1968.
Molecular consequence: frameshift variant.
Genome position (GRCh38, 1-based): chr1:26,779,801-26,779,802, GT deleted; deleting any 2 consecutive bases within chr1:26,779,798-26,779,802 gives the same sequence; the c. name uses the placement nearest the transcript's 3' end. VCF-style (leftmost placement, unchanged base first): chr1-26779797-CTG-C. GRCh37 (hg19) VCF-style: chr1-27106288-CTG-C.
Other names: c.5252_5253del, p.Cys1751fs (NM_139135.4); short protein forms C1751fs, C1968fs.
Identifiers: ClinVar variation 2572557 (VCV002572557.1), dbSNP rs2522045814, ClinGen allele CA2580612926.